The following is an entry in ClinVar:

NM_001127208.3(TET2):c.986T>C (p.Phe329Ser)

Genes: TET2 (tet methylcytosine dioxygenase 2; plus strand), TET2-AS1 (TET2 antisense RNA 1; minus strand). Cytogenetic location: 4q24.
Variant type: single nucleotide variant.
Coding change: c.986T>C on transcript NM_001127208.3 (MANE Select); coding-DNA position 986, T replaced by C.
Protein change: p.Phe329Ser; replaces phenylalanine 329 with serine.
Molecular consequence: missense variant.
Genome position (GRCh38, 1-based): chr4:105,234,928, T>C. VCF-style: chr4-105234928-T-C. GRCh37 (hg19) VCF-style: chr4-106156085-T-C.
Other names: c.986T>C, p.Phe329Ser (NM_017628.4); short protein forms F329S.
Identifiers: ClinVar variation 3967618 (VCV003967618.1).
Genomic context (GRCh38, chr4:105,234,928, plus strand): 5'-CAATGCTAAATACCTGTTCCTTTCAGAAACCAGAACAACTACAACAACAAAAATCAGTTT[T>C]TGAGATATGCCCATCTCCTGCAGAAAATAACATCCAGGGAACCACAAAGCTAGCGTCTGG-3'
Protein context (NP_001120680.1, residues 319-339): PEQLQQQKSV[Phe329Ser]EICPSPAENN

ClinVar aggregate classification (germline): Uncertain significance (1 of 4 stars; one submission).

Submission:

Ambry Genetics
Classification: Uncertain significance. Last evaluated: 2025-05-07. Review status: criteria provided, single submitter. Criteria: Ambry Variant Classification Scheme 2023. Collection method: clinical testing. Allele origin: germline.
Comment: The p.F329S variant (also known as c.986T>C), located in coding exon 1 of the TET2 gene, results from a T to C substitution at nucleotide position 986. The phenylalanine at codon 329 is replaced by serine, an amino acid with highly dissimilar properties. This amino acid position is conserved. In addition, this alteration is predicted to be tolerated by in silico analysis. Based on the available evidence, the clinical significance of this variant remains unclear.